The following is an entry in ClinVar:

ClinVar aggregate classification (germline): Uncertain significance (1 of 4 stars; one submission).

Submission:

Labcorp Genetics (formerly Invitae), Labcorp
Classification: Uncertain significance. Last evaluated: 2022-09-23. Review status: criteria provided, single submitter. Criteria: Invitae Variant Classification Sherloc (09022015). Collection method: clinical testing. Allele origin: germline.
Comment: In summary, the available evidence is currently insufficient to determine the role of this variant in disease. Therefore, it has been classified as a Variant of Uncertain Significance. Algorithms developed to predict the effect of sequence changes on RNA splicing suggest that this variant may disrupt the consensus splice site. This variant has not been reported in the literature in individuals affected with DRP2-related conditions. This variant is not present in population databases (gnomAD no frequency). This sequence change affects codon 741 of the DRP2 mRNA. It is a 'silent' change, meaning that it does not change the encoded amino acid sequence of the DRP2 protein.

NM_001939.3(DRP2):c.2223C>T (p.Asp741=)

Gene: DRP2 (dystrophin related protein 2; plus strand). Cytogenetic location: Xq22.1.
Variant type: single nucleotide variant.
Coding change: c.2223C>T on transcript NM_001939.3 (MANE Select); coding-DNA position 2223, C replaced by T.
Protein change: p.Asp741=; no amino-acid change (aspartic acid 741 retained).
Molecular consequence: synonymous variant.
Genome position (GRCh38, 1-based): chrX:101,255,226, C>T. VCF-style: chrX-101255226-C-T. GRCh37 (hg19) VCF-style: chrX-100510215-C-T.
Other names: c.1989C>T, p.Asp663= (NM_001171184.2).
Identifiers: ClinVar variation 1966891 (VCV001966891.5), dbSNP rs2520289584, ClinGen allele CA517533621.